The following is an entry in ClinVar:

ClinVar aggregate classification (germline): Conflicting classifications of pathogenicity. Review status: criteria provided, conflicting classifications (1 of 4 stars). 8 submissions from 5 submitters: Uncertain significance (3); Benign (1); Likely benign (4). Last evaluated 2026-05-14.

Conditions:
Hereditary cancer-predisposing syndrome. Also called: Hereditary Cancer Syndrome; Neoplastic Syndromes, Hereditary; Hereditary neoplastic syndrome; Tumor predisposition. Identifiers: Orphanet 140162, MedGen C0027672, MeSH D009386, MONDO:0015356.
Neurofibromatosis-Noonan syndrome (NFNS). Also called: NEUROFIBROMATOSIS WITH NOONAN PHENOTYPE. Identifiers: Orphanet 638, MedGen C2931482, MONDO:0011035, OMIM 601321. Disease mechanism: loss of function.
Neurofibromatosis, familial spinal (FSNF). Identifiers: Orphanet 636, MedGen C1834235, MONDO:0008078, OMIM 162210. Disease mechanism: loss of function.
Café-au-lait macules with pulmonary stenosis (WTSN). Also called: PULMONIC STENOSIS WITH CAFE-AU-LAIT SPOTS. Identifiers: MedGen C0553586, MONDO:0008672, OMIM 193520.
Neurofibromatosis, type 1 (NF1). Also called: VON RECKLINGHAUSEN DISEASE; NEUROFIBROMATOSIS, TYPE I, SOMATIC; Neurofibromatosis, type I; Peripheral type neurofibromatosis. Identifiers: Orphanet 636, MedGen C0027831, MONDO:0018975, OMIM 162200. Disease mechanism: loss of function.

Allele frequency attached by ClinVar (database versions not stated): gnomAD exomes 0.00001 and below 0.00001; TOPMed 0.00001; ExAC 0.00002.
gnomAD v4.1: 3 of 1,610,046 alleles (0.00019%); highest among the groups gnomAD compares: Non-Finnish European, 0.00025%; no homozygotes.

Submissions (8):

Myriad Genetics, Inc.
Classification: Benign for Neurofibromatosis, type 1. Last evaluated: 2026-05-14. Review status: criteria provided, single submitter. Criteria: Myriad Autosomal Dominant, Autosomal Recessive and X-Linked Classification Criteria (2023). Collection method: clinical testing. Allele origin: unknown.
Comment: This variant is considered benign. This variant is a silent/synonymous amino acid change and it is not expected to impact splicing.

Labcorp Genetics (formerly Invitae), Labcorp
Classification: Likely benign for Neurofibromatosis, type 1. Last evaluated: 2025-12-08. Review status: criteria provided, single submitter. Criteria: Invitae Variant Classification Sherloc (09022015). Collection method: clinical testing. Allele origin: germline.

Illumina Laboratory Services, Illumina
Classification: Uncertain significance for Café-au-lait macules with pulmonary stenosis. Last evaluated: 2018-01-12. Review status: criteria provided, single submitter. Criteria: ICSL Variant Classification Criteria 13 December 2019. Collection method: clinical testing. Allele origin: germline.

Illumina Laboratory Services, Illumina
Classification: Likely benign for Neurofibromatosis-Noonan syndrome. Last evaluated: 2018-01-12. Review status: criteria provided, single submitter. Criteria: ICSL Variant Classification Criteria 13 December 2019. Collection method: clinical testing. Allele origin: germline.
Comment: This variant was observed in the ICSL laboratory as part of a predisposition screen in an ostensibly healthy population. It had not been previously curated by ICSL or reported in the Human Gene Mutation Database (HGMD: prior to June 1st, 2018), and was therefore a candidate for classification through an automated scoring system. Utilizing variant allele frequency, disease prevalence and penetrance estimates, and inheritance mode, an automated score was calculated to assess if this variant is too frequent to cause the disease. Based on the score and internal cut-off values, a variant classified as likely benign is not then subjected to further curation. The score for this variant resulted in a classification of likely benign for this disease.

Illumina Laboratory Services, Illumina
Classification: Uncertain significance for Neurofibromatosis, familial spinal. Last evaluated: 2018-01-12. Review status: criteria provided, single submitter. Criteria: ICSL Variant Classification Criteria 13 December 2019. Collection method: clinical testing. Allele origin: germline.

Illumina Laboratory Services, Illumina
Classification: Uncertain significance for Neurofibromatosis, type 1. Last evaluated: 2018-01-12. Review status: criteria provided, single submitter. Criteria: ICSL Variant Classification Criteria 13 December 2019. Collection method: clinical testing. Allele origin: germline.

GeneDx
Classification: Likely benign. Last evaluated: 2016-11-14. Review status: criteria provided, single submitter. Criteria: GeneDx Variant Classification (06012015). Collection method: clinical testing. Allele origin: germline. Affected: yes.
Comment: This variant is considered likely benign or benign based on one or more of the following criteria: it is a conservative change, it occurs at a poorly conserved position in the protein, it is predicted to be benign by multiple in silico algorithms, and/or has population frequency not consistent with disease.

Ambry Genetics
Classification: Likely benign for Hereditary cancer-predisposing syndrome. Last evaluated: 2015-10-16. Review status: criteria provided, single submitter. Criteria: Ambry Autosomal Dominant and X-Linked criteria (10/2015). Collection method: clinical testing. Allele origin: germline. Observed: 1 variant allele.
Comment: Synonymous alterations with insufficient evidence to classify as benign

NM_001042492.3(NF1):c.681T>C (p.Tyr227=)

Gene: NF1 (neurofibromin 1; plus strand). Cytogenetic location: 17q11.2.
Variant type: single nucleotide variant.
Coding change: c.681T>C on transcript NM_001042492.3 (MANE Select); coding-DNA position 681, T replaced by C.
Protein change: p.Tyr227=; no amino-acid change (tyrosine 227 retained).
Molecular consequence: synonymous variant.
Genome position (GRCh38, 1-based): chr17:31,181,736, T>C. VCF-style: chr17-31181736-T-C. GRCh37 (hg19) VCF-style: chr17-29508754-T-C.
Other names: c.681T>C, p.Tyr227= (NM_000267.4, NM_001128147.3).
Identifiers: ClinVar variation 391038 (VCV000391038.18), dbSNP rs745804540, ClinGen allele CA8485606.